The following is an entry in ClinVar:

ClinVar aggregate classification (germline): Uncertain significance. Review status: criteria provided, multiple submitters, no conflicts (2 of 4 stars). 3 submissions from 3 submitters: Uncertain significance (2). 1 of the submissions does not count toward it. Last evaluated 2025-05-25.

Conditions:
CEP290-related disorder. Also called: CEP290-related disorders; CEP290-related condition. Identifiers: MedGen CN239314.
Inborn genetic diseases. Identifiers: MedGen C0950123, MeSH D030342.
Joubert syndrome. Also called: CEREBELLOPARENCHYMAL DISORDER IV; JOUBERT-BOLTSHAUSER SYNDROME; Familial aplasia of the vermis. Identifiers: Orphanet 475, MedGen C5979921, MONDO:0018772.
Nephronophthisis. Also called: Juvenile Nephronophthisis. Identifiers: Orphanet 655, MedGen C0687120, MONDO:0019005, HP:0000090.
Meckel-Gruber syndrome. Also called: DYSENCEPHALIA SPLANCHNOCYSTICA; GRUBER SYNDROME; Dysencephalia splachnocystica. Identifiers: Orphanet 564, MedGen C0265215, MONDO:0018921.

Allele frequency attached by ClinVar (database versions not stated): gnomAD 0.00001; gnomAD exomes 0.00001; TOPMed 0.00002.
gnomAD v4.1: 9 of 1,447,006 alleles (0.00062%); highest among the groups gnomAD compares: Admixed American, 0.0063%; no homozygotes.

Submissions (3):

Ambry Genetics
Classification: Uncertain significance for Inborn genetic diseases. Last evaluated: 2025-05-25. Review status: criteria provided, single submitter. Criteria: Ambry Variant Classification Scheme 2023. Collection method: clinical testing. Allele origin: germline.

Labcorp Genetics (formerly Invitae), Labcorp
Classification: Uncertain significance for Joubert syndrome; Meckel-Gruber syndrome; Nephronophthisis. Last evaluated: 2024-11-18. Review status: criteria provided, single submitter. Criteria: Invitae Variant Classification Sherloc (09022015). Collection method: clinical testing. Allele origin: germline.
Comment: This sequence change replaces aspartic acid, which is acidic and polar, with tyrosine, which is neutral and polar, at codon 1605 of the CEP290 protein (p.Asp1605Tyr). The frequency data for this variant in the population databases is considered unreliable, as metrics indicate poor data quality at this position in the gnomAD database. This variant has not been reported in the literature in individuals affected with CEP290-related conditions. ClinVar contains an entry for this variant (Variation ID: 1360361). An algorithm developed to predict the effect of missense changes on protein structure and function (PolyPhen-2) suggests that this variant is likely to be disruptive. In summary, the available evidence is currently insufficient to determine the role of this variant in disease. Therefore, it has been classified as a Variant of Uncertain Significance.

PreventionGenetics, part of Exact Sciences
Classification: Uncertain significance for CEP290-related condition. Last evaluated: 2024-05-28. Review status: no assertion criteria provided. Collection method: clinical testing. Allele origin: germline. Not counted in ClinVar's aggregate classification.
Comment: The CEP290 c.4813G>T variant is predicted to result in the amino acid substitution p.Asp1605Tyr. To our knowledge, this variant has not been reported in the literature. This variant is reported in 0.0018% of alleles in individuals of European (Non-Finnish) descent in gnomAD. At this time, the clinical significance of this variant is uncertain due to the absence of conclusive functional and genetic evidence.

NM_025114.4(CEP290):c.4813G>T (p.Asp1605Tyr)

Gene: CEP290 (centrosomal protein 290; minus strand). Cytogenetic location: 12q21.32.
Variant type: single nucleotide variant.
Coding change: c.4813G>T on transcript NM_025114.4 (MANE Select); coding-DNA position 4813, G replaced by T.
Protein change: p.Asp1605Tyr; replaces aspartic acid 1605 with tyrosine.
Molecular consequence: missense variant.
Genome position (GRCh38, 1-based): chr12:88,083,230, C>A on the plus strand (G>T on the coding strand, the complement: CEP290 is on the minus strand). VCF-style: chr12-88083230-C-A. GRCh37 (hg19) VCF-style: chr12-88477007-C-A.
Other names: c.4813G>T (NM_025114.3); short protein forms D1605Y.
Identifiers: ClinVar variation 1360361 (VCV001360361.10), dbSNP rs554863859, ClinGen allele CA241156912.
Genomic context (GRCh38, chr12:88,083,230, plus strand): 5'-CAGCCAGACGAATAAAATGCTTGTTGGTAGGAACTGGAGTGGGAGACTGTTTCATTAAAT[C>A]CTATAAAATATGAATATATTAGCAATAGGCATGTATAATTCAATGCCATACTTATTCCAT-3'
Protein context (NP_079390.3, residues 1595-1615): SLNKFKQTAW[Asp1605Tyr]LMKQSPTPVP